The following is an entry in ClinVar:

NM_001202.6(BMP4):c.161del (p.Leu54fs)

Gene: BMP4 (bone morphogenetic protein 4; minus strand). Cytogenetic location: 14q22.2.
Variant type: Deletion.
Coding change: c.161del on transcript NM_001202.6 (MANE Select); coding-DNA position 161, one base deleted (T; older notation c.161delT).
Protein change: p.Leu54fs; shifts the reading frame from leucine 54.
Molecular consequence: frameshift variant. On other transcripts: 5 prime UTR variant (3).
Genome position (GRCh38, 1-based): chr14:53,952,062, A deleted on the plus strand (T on the coding strand, the reverse complement: BMP4 is on the minus strand). VCF-style (leftmost placement, unchanged base first): chr14-53952061-CA-C. GRCh37 (hg19) VCF-style: chr14-54418779-CA-C.
Other names: c.302del, p.Leu101fs (NM_001347912.1); c.-29del (NM_001347913.2, NM_001347915.2, NM_001347917.1); c.161del, p.Leu54fs (NM_001347914.2, NM_001347916.1, NM_130850.5 and 1 more transcripts); short protein forms L101fs, L54fs.
Identifiers: ClinVar variation 4880600 (VCV004880600.2).

ClinVar aggregate classification (germline): Likely pathogenic (1 of 4 stars; one submission).

Submission:

Dasa
Classification: Likely pathogenic. Last evaluated: 2025-11-02. Review status: criteria provided, single submitter. Criteria: DASA Assertion Criteria. Collection method: clinical testing. Allele origin: germline.
Comment: NM_001202.6(BMP4):c.161del (p.Leu54Argfs*64) is a frameshift variant in BMP4 predicted to alter the reading frame and introduce a premature termination codon and is predicted to result in an absent or altered protein product. Loss of function is an established disease mechanism for BMP4 (PMID: 21340693; PMID: 18252212; PMID: 31053785). Published studies describe this variant in association with related phenotype (PMID: 34926457; PMID: 18252212). Also, this variant is absent from population databases. Based on the currently available evidence, this variant is classified as likely pathogenic.

Literature cited by the submitters: PubMed 34926457; PubMed 18252212; PubMed 21340693; PubMed 31053785.